The following is an entry in ClinVar:

NM_025137.4(SPG11):c.6523A>C (p.Ile2175Leu)

Gene: SPG11 (SPG11 vesicle trafficking associated, spatacsin; minus strand). Cytogenetic location: 15q21.1.
Variant type: single nucleotide variant.
Coding change: c.6523A>C on transcript NM_025137.4 (MANE Select); coding-DNA position 6523, A replaced by C.
Protein change: p.Ile2175Leu; replaces isoleucine 2175 with leucine.
Molecular consequence: missense variant.
Genome position (GRCh38, 1-based): chr15:44,569,460, T>G on the plus strand (A>C on the coding strand, the complement: SPG11 is on the minus strand). VCF-style: chr15-44569460-T-G. GRCh37 (hg19) VCF-style: chr15-44861658-T-G.
Other names: c.6184A>C, p.Ile2062Leu (NM_001160227.2); short protein forms I2175L, I2062L.
Identifiers: ClinVar variation 571635 (VCV000571635.8), dbSNP rs1567128530, ClinGen allele CA392215929.

ClinVar aggregate classification (germline): Uncertain significance (1 of 4 stars; one submission).

Conditions:
Hereditary spastic paraplegia 11. Also called: Spastic paraplegia, mental retardation and thin corpus callosum; SPASTIC PARAPLEGIA, AUTOSOMAL RECESSIVE, COMPLICATED, WITH THIN CORPUS CALLOSUM; SPASTIC PARAPLEGIA, AUTOSOMAL RECESSIVE, WITH MENTAL IMPAIRMENT AND THIN CORPUS CALLOSUM; Nakamura Osame syndrome; Autosomal recessive hereditary spastic paraplegia, mental impairment, and thin corpus callosum; Spastic Paraplegia 11. Identifiers: Orphanet 2822, MedGen C1858479, MONDO:0011445, OMIM 604360.

Submission:

Labcorp Genetics (formerly Invitae), Labcorp
Classification: Uncertain significance for Hereditary spastic paraplegia 11. Last evaluated: 2020-10-19. Review status: criteria provided, single submitter. Criteria: Invitae Variant Classification Sherloc (09022015). Collection method: clinical testing. Allele origin: germline.
Comment: In summary, the available evidence is currently insufficient to determine the role of this variant in disease. Therefore, it has been classified as a Variant of Uncertain Significance. Algorithms developed to predict the effect of missense changes on protein structure and function (SIFT, PolyPhen-2, Align-GVGD) all suggest that this variant is likely to be tolerated, but these predictions have not been confirmed by published functional studies and their clinical significance is uncertain. This variant has not been reported in the literature in individuals with SPG11-related disease. This variant is not present in population databases (ExAC no frequency). This sequence change replaces isoleucine with leucine at codon 2175 of the SPG11 protein (p.Ile2175Leu). The isoleucine residue is highly conserved and there is a small physicochemical difference between isoleucine and leucine.